The following is an entry in ClinVar:

ClinVar aggregate classification (germline): Benign/Likely benign. Review status: criteria provided, multiple submitters, no conflicts (2 of 4 stars). 4 submissions from 4 submitters: Benign (1); Likely benign (3). Last evaluated 2024-07-26.

Conditions:
Hereditary cancer-predisposing syndrome. Also called: Tumor predisposition; Hereditary Cancer Syndrome; Neoplastic Syndromes, Hereditary; Hereditary neoplastic syndrome. Identifiers: Orphanet 140162, MedGen C0027672, MeSH D009386, MONDO:0015356.
Familial cancer of breast. Also called: BREAST CANCER, FAMILIAL; hereditary breast carcinoma; Hereditary breast cancer. Identifiers: Orphanet 227535, MedGen C0346153, MONDO:0016419, OMIM 114480. Disease mechanism: loss of function.

Allele frequency attached by ClinVar (database versions not stated): gnomAD 0.00001.
gnomAD v4.1: 2 of 1,613,956 alleles (0.00012%); highest among the groups gnomAD compares: Non-Finnish European, 0.00017%; no homozygotes.

Submissions (4):

Myriad Genetics, Inc.
Classification: Benign for Familial cancer of breast. Last evaluated: 2024-07-26. Review status: criteria provided, single submitter. Criteria: Myriad Autosomal Dominant, Autosomal Recessive and X-Linked Classification Criteria (2023). Collection method: clinical testing. Allele origin: unknown.
Comment: This variant is considered benign. This variant is a silent/synonymous amino acid change and it is not expected to impact splicing.

Labcorp Genetics (formerly Invitae), Labcorp
Classification: Likely benign for Familial cancer of breast. Last evaluated: 2023-02-08. Review status: criteria provided, single submitter. Criteria: Invitae Variant Classification Sherloc (09022015). Collection method: clinical testing. Allele origin: germline.

Ambry Genetics
Classification: Likely benign for Hereditary cancer-predisposing syndrome. Last evaluated: 2022-12-12. Review status: criteria provided, single submitter. Criteria: Ambry Variant Classification Scheme 2023. Collection method: clinical testing. Allele origin: germline.

Color Diagnostics, LLC DBA Color Health
Classification: Likely benign for Hereditary cancer-predisposing syndrome. Last evaluated: 2021-04-06. Review status: criteria provided, single submitter. Criteria: ACMG Guidelines, 2015. Collection method: clinical testing. Allele origin: germline.

NM_000465.4(BARD1):c.1791T>C (p.Tyr597=)

Gene: BARD1 (BRCA1 associated RING domain 1; minus strand). Cytogenetic location: 2q35.
Variant type: single nucleotide variant.
Coding change: c.1791T>C on transcript NM_000465.4 (MANE Select); coding-DNA position 1791, T replaced by C.
Protein change: p.Tyr597=; no amino-acid change (tyrosine 597 retained).
Molecular consequence: synonymous variant. On other transcripts: non-coding transcript variant (3), intron variant (1).
Genome position (GRCh38, 1-based): chr2:214,745,741, A>G on the plus strand (T>C on the coding strand, the complement: BARD1 is on the minus strand). VCF-style: chr2-214745741-A-G. GRCh37 (hg19) VCF-style: chr2-215610465-A-G.
Other names: c.1734T>C, p.Tyr578= (NM_001282543.2); c.438T>C, p.Tyr146= (NM_001282545.2); c.381T>C, p.Tyr127= (NM_001282548.2); c.365-15233T>C (NM_001282549.2); c.1791T>C (NM_000465.2).
Identifiers: ClinVar variation 1331913 (VCV001331913.8), dbSNP rs1356036720, ClinGen allele CA431145844.